The following is an entry in ClinVar:

ClinVar aggregate classification (germline): Conflicting classifications of pathogenicity. Review status: criteria provided, conflicting classifications (1 of 4 stars). 5 submissions from 4 submitters: Uncertain significance (1); Benign (1); Likely benign (2). 1 of the submissions does not count toward it. Last evaluated 2026-07-01.

Conditions:
Obesity. Also called: Obesity disorder. Identifiers: Orphanet 71529, MedGen C0028754, MeSH D009765, MONDO:0011122, HP:0001513.
Obesity due to pro-opiomelanocortin deficiency. Also called: Obesity, adrenal insufficiency, and red hair due to POMC deficiency; OBESITY, EARLY-ONSET, WITH ADRENAL INSUFFICIENCY AND RED HAIR; PROOPIOMELANOCORTIN DEFICIENCY. Identifiers: Orphanet 71526, MedGen C1857854, MONDO:0012335, OMIM 609734.

Allele frequency attached by ClinVar (database versions not stated): 1000 Genomes Project 30x 0.00500; ExAC 0.00535; gnomAD 0.00543 and 0.00562; 1000 Genomes Project 0.00559; gnomAD exomes 0.00739 and 0.00582; TOPMed 0.00582; ESP Exome Variant Server 0.00646.
gnomAD v4.1: 11,634 of 1,614,006 alleles (0.72%); highest among the groups gnomAD compares: Non-Finnish European, 0.84%; 59 homozygotes.

Submissions (5):

CeGaT Center for Human Genetics Tuebingen
Classification: Likely benign. Last evaluated: 2026-07-01. Review status: criteria provided, single submitter. Criteria: CeGaT Center For Human Genetics Tuebingen Variant Classification Criteria Version 2. Collection method: clinical testing. Allele origin: germline. Affected: yes. Observed: 8 variant alleles.
Comment: POMC: BP4, BP7, BS2

Labcorp Genetics (formerly Invitae), Labcorp
Classification: Benign. Last evaluated: 2026-01-26. Review status: criteria provided, single submitter. Criteria: Invitae Variant Classification Sherloc (09022015). Collection method: clinical testing. Allele origin: germline.

Illumina Laboratory Services, Illumina
Classification: Uncertain significance for Inherited obesity. Last evaluated: 2018-01-13. Review status: criteria provided, single submitter. Criteria: ICSL Variant Classification Criteria 13 December 2019. Collection method: clinical testing. Allele origin: germline.

Illumina Laboratory Services, Illumina
Classification: Likely benign for Obesity due to pro-opiomelanocortin deficiency. Last evaluated: 2018-01-13. Review status: criteria provided, single submitter. Criteria: ICSL Variant Classification Criteria 13 December 2019. Collection method: clinical testing. Allele origin: germline.
Comment: This variant was observed in the ICSL laboratory as part of a predisposition screen in an ostensibly healthy population. It had not been previously curated by ICSL or reported in the Human Gene Mutation Database (HGMD: prior to June 1st, 2018), and was therefore a candidate for classification through an automated scoring system. Utilizing variant allele frequency, disease prevalence and penetrance estimates, and inheritance mode, an automated score was calculated to assess if this variant is too frequent to cause the disease. Based on the score and internal cut-off values, a variant classified as likely benign is not then subjected to further curation. The score for this variant resulted in a classification of likely benign for this disease.

Genetic Services Laboratory, University of Chicago
Classification: Benign. Last evaluated: 2022-05-09. Review status: no assertion criteria provided. Collection method: clinical testing. Allele origin: germline. Affected: no. Not counted in ClinVar's aggregate classification.

NM_000939.4(POMC):c.18C>T (p.Cys6=)

Gene: POMC (proopiomelanocortin; minus strand). Cytogenetic location: 2p23.3.
Variant type: single nucleotide variant.
Coding change: c.18C>T on transcript NM_000939.4 (MANE Select); coding-DNA position 18, C replaced by T.
Protein change: p.Cys6=; no amino-acid change (cysteine 6 retained).
Molecular consequence: synonymous variant.
Genome position (GRCh38, 1-based): chr2:25,164,755, G>A on the plus strand (C>T on the coding strand, the complement: POMC is on the minus strand). VCF-style: chr2-25164755-G-A. GRCh37 (hg19) VCF-style: chr2-25387624-G-A.
Other names: c.18C>T, p.Cys6= (NM_001035256.3, NM_001319204.2, NM_001319205.2).
Identifiers: ClinVar variation 335358 (VCV000335358.38), dbSNP rs8192605, ClinGen allele CA1555423.